The following is an entry in ClinVar:

NM_000245.4(MET):c.2741C>G (p.Ala914Gly)

Gene: MET (MET proto-oncogene, receptor tyrosine kinase; plus strand). Cytogenetic location: 7q31.2.
Variant type: single nucleotide variant.
Coding change: c.2741C>G on transcript NM_000245.4 (MANE Select); coding-DNA position 2741, C replaced by G.
Protein change: p.Ala914Gly; replaces alanine 914 with glycine.
Molecular consequence: missense variant.
Genome position (GRCh38, 1-based): chr7:116,771,508, C>G. VCF-style: chr7-116771508-C-G. GRCh37 (hg19) VCF-style: chr7-116411562-C-G.
Other names: c.2795C>G, p.Ala932Gly (NM_001127500.3); c.1451C>G, p.Ala484Gly (NM_001324402.2); short protein forms A914G, A484G, A932G.
Identifiers: ClinVar variation 4106741 (VCV004106741.1).

ClinVar aggregate classification (germline): Uncertain significance (1 of 4 stars; one submission).

Conditions:
Hereditary cancer-predisposing syndrome. Also called: Tumor predisposition; Neoplastic Syndromes, Hereditary; Hereditary neoplastic syndrome; Hereditary Cancer Syndrome. Identifiers: Orphanet 140162, MedGen C0027672, MeSH D009386, MONDO:0015356.

Submission:

Ambry Genetics
Classification: Uncertain significance for Hereditary cancer-predisposing syndrome. Last evaluated: 2025-06-25. Review status: criteria provided, single submitter. Criteria: Ambry Variant Classification Scheme 2023. Collection method: clinical testing. Allele origin: germline.
Comment: The p.A932G variant (also known as c.2795C>G), located in coding exon 12 of the MET gene, results from a C to G substitution at nucleotide position 2795. The alanine at codon 932 is replaced by glycine, an amino acid with similar properties. This amino acid position is conserved. In addition, this alteration is predicted to be tolerated by in silico analysis. Based on the available evidence, the clinical significance of this variant remains unclear.